The following is an entry in ClinVar:

ClinVar aggregate classification (germline): Uncertain significance. Review status: criteria provided, multiple submitters, no conflicts (2 of 4 stars). 2 submissions from 2 submitters: Uncertain significance (2). Last evaluated 2025-08-06.

Conditions:
Inborn genetic diseases. Identifiers: MedGen C0950123, MeSH D030342.
Familial focal epilepsy with variable foci (FPEVF). Identifiers: Orphanet 98820, MedGen C1858477, MONDO:0020310.

gnomAD v4.1: 18 of 1,613,342 alleles (0.0011%); highest among the groups gnomAD compares: East Asian, 0.0022%; no homozygotes.

Submissions (2):

Labcorp Genetics (formerly Invitae), Labcorp
Classification: Uncertain significance for Familial focal epilepsy with variable foci. Last evaluated: 2025-08-06. Review status: criteria provided, single submitter. Criteria: Invitae Variant Classification Sherloc (09022015). Collection method: clinical testing. Allele origin: germline.
Comment: This sequence change replaces alanine, which is neutral and non-polar, with threonine, which is neutral and polar, at codon 1287 of the DEPDC5 protein (p.Ala1287Thr). This variant is not present in population databases (gnomAD no frequency). This missense change has been observed in individual(s) with clinical features of DEPDC5-related conditions (PMID: 30945278). ClinVar contains an entry for this variant (Variation ID: 1735576). An algorithm developed to predict the effect of missense changes on protein structure and function outputs the following: PolyPhen-2: "Not Available". The threonine amino acid residue is found in multiple mammalian species, which suggests that this missense change does not adversely affect protein function. In summary, the available evidence is currently insufficient to determine the role of this variant in disease. Therefore, it has been classified as a Variant of Uncertain Significance.

Ambry Genetics
Classification: Uncertain significance for Inborn genetic diseases. Last evaluated: 2017-09-07. Review status: criteria provided, single submitter. Criteria: Ambry Variant Classification Scheme 2023. Collection method: clinical testing. Allele origin: germline.
Comment: The p.A1287T variant (also known as c.3859G>A), located in coding exon 37 of the DEPDC5 gene, results from a G to A substitution at nucleotide position 3859. The alanine at codon 1287 is replaced by threonine, an amino acid with similar properties. This amino acid position is not well conserved in available vertebrate species. In addition, this alteration is predicted to be tolerated by in silico analysis. Since supporting evidence is limited at this time, the clinical significance of this alteration remains unclear.

Literature cited by the submitters: PubMed 30945278 (cited by Labcorp Genetics (formerly Invitae), Labcorp).

NM_001242896.3(DEPDC5):c.3859G>A (p.Ala1287Thr)

Gene: DEPDC5 (DEP domain containing 5, GATOR1 subcomplex subunit; plus strand). Cytogenetic location: 22q12.3.
Variant type: single nucleotide variant.
Coding change: c.3859G>A on transcript NM_001242896.3 (MANE Select); coding-DNA position 3859, G replaced by A.
Protein change: p.Ala1287Thr; replaces alanine 1287 with threonine.
Molecular consequence: missense variant. On other transcripts: non-coding transcript variant (5).
Genome position (GRCh38, 1-based): chr22:31,879,578, G>A. VCF-style: chr22-31879578-G-A. GRCh37 (hg19) VCF-style: chr22-32275564-G-A.
Other names: c.3766G>A, p.Ala1256Thr (NM_001369903.1, NM_014662.6); c.3832G>A, p.Ala1278Thr (NM_001136029.4); c.3559G>A, p.Ala1187Thr (NM_001242897.2); c.3793G>A, p.Ala1265Thr (NM_001363852.2, NM_001364320.2); c.3625G>A, p.Ala1209Thr (NM_001363854.2, NM_001364319.2); c.3859G>A, p.Ala1287Thr (NM_001364318.2); c.3775G>A, p.Ala1259Thr (NM_001369901.1, NM_001369902.1); short protein forms A1259T, A1278T, A1187T, A1287T, A1209T, A1256T, A1265T.
Identifiers: ClinVar variation 1735576 (VCV001735576.4), dbSNP rs867268278, ClinGen allele CA411281925.